The following is an entry in ClinVar:

ClinVar aggregate classification (germline): Uncertain significance (1 of 4 stars; one submission).

Conditions:
Bethlem myopathy 1A. Also called: MYOPATHY, BENIGN CONGENITAL, WITH CONTRACTURES; Bethlem Muscular Dystrophy; Bethlem myopathy 1. Identifiers: Orphanet 610, MedGen CN029274, MONDO:0024530, OMIM 158810.

gnomAD v4.1: 4 of 1,614,082 alleles (0.00025%); highest among the groups gnomAD compares: African/African-American, 0.0027%; no homozygotes.

Submission:

Labcorp Genetics (formerly Invitae), Labcorp
Classification: Uncertain significance for Bethlem myopathy 1A. Last evaluated: 2025-08-18. Review status: criteria provided, single submitter. Criteria: Invitae Variant Classification Sherloc (09022015). Collection method: clinical testing. Allele origin: germline.
Comment: This sequence change replaces arginine, which is basic and polar, with serine, which is neutral and polar, at codon 2306 of the COL6A3 protein (p.Arg2306Ser). This variant is not present in population databases (gnomAD no frequency). This variant has not been reported in the literature in individuals affected with COL6A3-related conditions. ClinVar contains an entry for this variant (Variation ID: 1440354). Invitae Evidence Modeling of protein sequence and biophysical properties (such as structural, functional, and spatial information, amino acid conservation, physicochemical variation, residue mobility, and thermodynamic stability) indicates that this missense variant is not expected to disrupt COL6A3 protein function with a negative predictive value of 80%. In summary, the available evidence is currently insufficient to determine the role of this variant in disease. Therefore, it has been classified as a Variant of Uncertain Significance.

NM_004369.4(COL6A3):c.6916C>A (p.Arg2306Ser)

Gene: COL6A3 (collagen type VI alpha 3 chain; minus strand). Cytogenetic location: 2q37.3.
Variant type: single nucleotide variant.
Coding change: c.6916C>A on transcript NM_004369.4 (MANE Select); coding-DNA position 6916, C replaced by A.
Protein change: p.Arg2306Ser; replaces arginine 2306 with serine.
Molecular consequence: missense variant.
Genome position (GRCh38, 1-based): chr2:237,348,627, G>T on the plus strand (C>A on the coding strand, the complement: COL6A3 is on the minus strand). VCF-style: chr2-237348627-G-T. GRCh37 (hg19) VCF-style: chr2-238257270-G-T.
Other names: c.5095C>A, p.Arg1699Ser (NM_057166.5); c.6298C>A, p.Arg2100Ser (NM_057167.4); short protein forms R2306S, R2100S, R1699S.
Identifiers: ClinVar variation 1440354 (VCV001440354.8), dbSNP rs370862741, ClinGen allele CA67844488.
Genomic context (GRCh38, chr2:237,348,627, plus strand): 5'-CCTCCTGGCAGCAAGGACGCTTGGATAATCCTCAGCAGATACGTACTTTTTTGCCTCTGC[G>T]TCCTTCACTGCCAACTCCGTCTCTCCCGTCATCTCCCTAAGAGTGGGAAAGAGATGTGAC-3'
Protein context (NP_004360.2, residues 2296-2316): DGRDGVGSEG[Arg2306Ser]RGKKGERGFP